The following is an entry in ClinVar:

NM_194277.3(FRMD7):c.*434C>T

Gene: FRMD7 (FERM domain containing 7; minus strand). Cytogenetic location: Xq26.2.
Variant type: single nucleotide variant.
Coding change: c.*434C>T on transcript NM_194277.3 (MANE Select); 434 bases downstream of the stop codon, C replaced by T.
Molecular consequence: 3 prime UTR variant.
Genome position (GRCh38, 1-based): chrX:132,077,438, G>A on the plus strand (C>T on the coding strand, the complement: FRMD7 is on the minus strand). VCF-style: chrX-132077438-G-A. GRCh37 (hg19) VCF-style: chrX-131211466-G-A.
Other names: c.*434C>T (NM_001306193.2).
Identifiers: ClinVar variation 367903 (VCV000367903.5), dbSNP rs5975315, ClinGen allele CA10654247.

ClinVar aggregate classification (germline): Benign (1 of 4 stars; one submission).

Conditions:
Nystagmus 1, congenital, X-linked. Also called: NYSTAGMUS 1, INFANTILE, X-LINKED; NYSTAGMUS, CONGENITAL MOTOR, 1; NYSTAGMUS, INFANTILE IDIOPATHIC; NYSTAGMUS, INFANTILE PERIODIC ALTERNATING, X-LINKED; FRMD7-Related Infantile Nystagmus. Identifiers: MedGen C1839580, MONDO:0010693, OMIM 310700.

Allele frequency attached by ClinVar (database versions not stated): gnomAD exomes 0.00215; gnomAD 0.02113 and 0.02249; TOPMed 0.02469; 1000 Genomes Project 0.02543; 1000 Genomes Project 30x 0.02872.

Submission:

Illumina Laboratory Services, Illumina
Classification: Benign for Nystagmus 1, congenital, X-linked. Last evaluated: 2018-01-12. Review status: criteria provided, single submitter. Criteria: ICSL Variant Classification Criteria 13 December 2019. Collection method: clinical testing. Allele origin: germline.
Comment: This variant was observed in the ICSL laboratory as part of a predisposition screen in an ostensibly healthy population. It had not been previously curated by ICSL or reported in the Human Gene Mutation Database (HGMD: prior to June 1st, 2018), and was therefore a candidate for classification through an automated scoring system. Utilizing variant allele frequency, disease prevalence and penetrance estimates, and inheritance mode, an automated score was calculated to assess if this variant is too frequent to cause the disease. Based on the score and internal cut-off values, a variant classified as benign is not then subjected to further curation. The score for this variant resulted in a classification of benign for this disease.